The following is an entry in ClinVar:

NM_001845.6(COL4A1):c.478G>A (p.Gly160Ser)

Gene: COL4A1 (collagen type IV alpha 1 chain; minus strand). Cytogenetic location: 13q34.
Variant type: single nucleotide variant.
Coding change: c.478G>A on transcript NM_001845.6 (MANE Select); coding-DNA position 478, G replaced by A.
Protein change: p.Gly160Ser; replaces glycine 160 with serine.
Molecular consequence: missense variant.
Genome position (GRCh38, 1-based): chr13:110,210,203, C>T on the plus strand (G>A on the coding strand, the complement: COL4A1 is on the minus strand). VCF-style: chr13-110210203-C-T. GRCh37 (hg19) VCF-style: chr13-110862550-C-T.
Other names: c.478G>A, p.Gly160Ser (NM_001303110.2); short protein forms G160S.
Identifiers: ClinVar variation 1698948 (VCV001698948.4), dbSNP rs2139202625, ClinGen allele CA388725716.
Genomic context (GRCh38, chr13:110,210,203, plus strand): 5'-TTCCGGGAAATCCTCTTTCACCTTTCAACAGCATCCCGGGCACATGGCCAAGTATCTCAC[C>T]TGGATCACCCTAGAGGATGAAGAAAGAAAATAGAAAGTTGCAAATATCGACATTCATGTA-3'
Protein context (NP_001836.3, residues 150-170): PGLPGMKGDP[Gly160Ser]EILGHVPGML

ClinVar aggregate classification (germline): Uncertain significance (1 of 4 stars; one submission).

Conditions:
Hemorrhage, intracerebral, susceptibility to (ICH). Also called: Stroke, hemorrhagic, susceptibility to. Identifiers: MedGen C3281105, MONDO:0100533, OMIM 614519.

Submission:

Victorian Clinical Genetics Services, Murdoch Childrens Research Institute
Classification: Uncertain significance for Hemorrhage, intracerebral, susceptibility to. Last evaluated: 2022-09-02. Review status: criteria provided, single submitter. Criteria: ACMG Guidelines, 2015. Collection method: clinical testing. Allele origin: germline. Inheritance: Autosomal dominant inheritance.
Comment: Based on the classification scheme VCGS_Germline_v1.3.4, this variant is classified as VUS-3A. Following criteria are met: 0103 - Dominant negative and loss of function are known mechanisms of disease in this gene and are associated with COL4A1-related disorders. Missense variants affecting the glycine of the triple helix of collagen genes typically exert a dominant-negative effect however, functional studies proving this for COL4A1 is currently lacking (PMID:16159887). (I) 0107 - This gene is associated with autosomal dominant disease. (I) 0112 - The condition associated with this gene has incomplete penetrance (PMID:21625620, 30413629). (I) 0200 - Variant is predicted to result in a missense amino acid change from glycine to serine. (I) 0251 - This variant is heterozygous. (I) 0301 - Variant is absent from gnomAD (both v2 and v3). (SP) 0501 - Missense variant consistently predicted to be damaging by multiple in silico tools or highly conserved with a major amino acid change. (SP) 0601 - Variant is located in the well-established functional triple helical collagen domain. It affects the G of GXY repeat however, it is the last one in the region (UCSC, DECIPHER). (SP) 0705 - No comparable missense variants have previous evidence for pathogenicity. (I) 0807 - This variant has no previous evidence of pathogenicity. (I) 0905 - No published segregation evidence has been identified for this variant. (I) 1007 - No published functional evidence has been identified for this variant. (I) 1208 - Inheritance information for this variant is not currently available in this individual. (I) Legend: (SP) - Supporting pathogenic, (I) - Information, (SB) - Supporting benign

Literature cited by the submitters: PubMed 16159887; PubMed 21625620; PubMed 30413629.